The following is an entry in ClinVar:

NM_005035.4(POLRMT):c.1920C>T (p.Thr640=)

Gene: POLRMT (RNA polymerase mitochondrial; minus strand). Cytogenetic location: 19p13.3.
Variant type: single nucleotide variant.
Coding change: c.1920C>T on transcript NM_005035.4 (MANE Select); coding-DNA position 1920, C replaced by T.
Protein change: p.Thr640=; no amino-acid change (threonine 640 retained).
Molecular consequence: synonymous variant. On other transcripts: non-coding transcript variant (1).
Genome position (GRCh38, 1-based): chr19:621,778, G>A on the plus strand (C>T on the coding strand, the complement: POLRMT is on the minus strand). VCF-style: chr19-621778-G-A. GRCh37 (hg19) VCF-style: chr19-621778-G-A.
Other names: c.1920C>T, p.Thr640= (NM_001407805.1, NM_001407808.1, NM_001407812.1 and 4 more transcripts); c.1911C>T, p.Thr637= (NM_001407806.1, NM_001407809.1); c.1908C>T, p.Thr636= (NM_001407807.1, NM_001407810.1); c.1878C>T, p.Thr626= (NM_001407811.1, NM_001407813.1); c.1695C>T, p.Thr565= (NM_001407830.1, NM_001407832.1); c.1596C>T, p.Thr532= (NM_001407831.1, NM_001407833.1, NM_001407835.1 and 1 more transcripts); c.1587C>T, p.Thr529= (NM_001407834.1).
Identifiers: ClinVar variation 4872087 (VCV004872087.2).

ClinVar aggregate classification (germline): Likely benign (1 of 4 stars; one submission).

gnomAD v4.1: 276 of 1,602,084 alleles (0.017%); highest among the groups gnomAD compares: South Asian, 0.25%; 7 homozygotes.

Submission:

CeGaT Center for Human Genetics Tuebingen
Classification: Likely benign. Last evaluated: 2026-06-01. Review status: criteria provided, single submitter. Criteria: CeGaT Center For Human Genetics Tuebingen Variant Classification Criteria Version 2. Collection method: clinical testing. Allele origin: germline. Affected: yes. Observed: 1 variant allele.
Comment: POLRMT: BP4, BP7